The following is an entry in ClinVar:

ClinVar aggregate classification (germline): Uncertain significance (1 of 4 stars; one submission).

Conditions:
Familial adenomatous polyposis 1 (FAP1). Also called: FAMILIAL ADENOMATOUS POLYPOSIS 1, ATTENUATED; POLYPOSIS, ADENOMATOUS INTESTINAL. Identifiers: MedGen C2713442, MONDO:0021056, OMIM 175100. Disease mechanism: loss of function.

Submission:

Labcorp Genetics (formerly Invitae), Labcorp
Classification: Uncertain significance for Familial adenomatous polyposis 1. Last evaluated: 2022-07-04. Review status: criteria provided, single submitter. Criteria: Invitae Variant Classification Sherloc (09022015). Collection method: clinical testing. Allele origin: germline.
Comment: Algorithms developed to predict the effect of missense changes on protein structure and function (SIFT, PolyPhen-2, Align-GVGD) all suggest that this variant is likely to be tolerated. In summary, the available evidence is currently insufficient to determine the role of this variant in disease. Therefore, it has been classified as a Variant of Uncertain Significance. This missense change has been observed in individual(s) with familial adenomatous polyposis (PMID: 30272267). This variant is not present in population databases (gnomAD no frequency). This sequence change replaces arginine, which is basic and polar, with glycine, which is neutral and non-polar, at codon 1171 of the APC protein (p.Arg1171Gly).

Literature cited by the submitters: PubMed 30272267.

NM_000038.6(APC):c.3511C>G (p.Arg1171Gly)

Gene: APC (APC regulator of Wnt signaling pathway; plus strand). Cytogenetic location: 5q22.2.
Variant type: single nucleotide variant.
Coding change: c.3511C>G on transcript NM_000038.6 (MANE Select); coding-DNA position 3511, C replaced by G.
Protein change: p.Arg1171Gly; replaces arginine 1171 with glycine.
Molecular consequence: missense variant.
Genome position (GRCh38, 1-based): chr5:112,839,105, C>G. VCF-style: chr5-112839105-C-G. GRCh37 (hg19) VCF-style: chr5-112174802-C-G.
Other names: c.3511C>G, p.Arg1171Gly (NM_001127510.3, NM_001354895.2, NM_001407450.1); c.3457C>G, p.Arg1153Gly (NM_001127511.3); c.3565C>G, p.Arg1189Gly (NM_001354896.2, NM_001407447.1, NM_001407448.1 and 1 more transcripts); c.3541C>G, p.Arg1181Gly (NM_001354897.2); c.3436C>G, p.Arg1146Gly (NM_001354898.2); c.3427C>G, p.Arg1143Gly (NM_001354899.2); c.3388C>G, p.Arg1130Gly (NM_001354900.2); c.3334C>G, p.Arg1112Gly (NM_001354901.2, NM_001407453.1); and 11 more; short protein forms R1080G, R1143G, R1153G, R1164G, R1189G, R888G, R1011G, R1042G.
Identifiers: ClinVar variation 2013890 (VCV002013890.4), dbSNP rs201830995, ClinGen allele CA16029046.
Genomic context (GRCh38, chr5:112,839,105, plus strand): 5'-GAACAGCATGAAGAAGAAGAGAGACCAACAAATTATAGCATAAAATATAATGAAGAGAAA[C>G]GTCATGTGGATCAGCCTATTGATTATAGTTTAAAATATGCCACAGATATTCCTTCATCAC-3'
Protein context (NP_000029.2, residues 1161-1181): NYSIKYNEEK[Arg1171Gly]HVDQPIDYSL